The following is an entry in ClinVar:

ClinVar aggregate classification (germline): Benign/Likely benign. Review status: criteria provided, multiple submitters, no conflicts (2 of 4 stars). 5 submissions from 5 submitters: Benign (1); Likely benign (3). 1 of the submissions does not count toward it. Last evaluated 2026-01-28.

Conditions:
PDGFRA-related disorder. Also called: PDGFRA-related condition.
Hereditary cancer-predisposing syndrome. Also called: Hereditary neoplastic syndrome; Tumor predisposition; Hereditary Cancer Syndrome; Neoplastic Syndromes, Hereditary. Identifiers: Orphanet 140162, MedGen C0027672, MeSH D009386, MONDO:0015356.
Ovarian cancer. Also called: OVARIAN CANCER, SOMATIC. Identifiers: Orphanet 213500, MedGen C1140680, MONDO:0008170, OMIM 167000.
Gastrointestinal stromal tumor. Also called: Gastrointestinal stroma tumor; Gastrointestinal stromal tumor, somatic. Identifiers: Orphanet 44890, MedGen C0238198, MeSH D046152, MONDO:0011719, OMIM 606764, HP:0100723.
Isolated cleft palate. Also called: nonsyndromic cleft palate. Identifiers: Orphanet 2014, MedGen C1837218, MONDO:0007336, OMIM 119540.

Allele frequency attached by ClinVar (database versions not stated): gnomAD exomes 0.00002 and 0.00012; TOPMed 0.00004; gnomAD 0.00010; ExAC 0.00012; 1000 Genomes Project 30x 0.00016; 1000 Genomes Project 0.00020.
gnomAD v4.1: 32 of 1,602,902 alleles (0.002%); highest among the groups gnomAD compares: East Asian, 0.063%; no homozygotes.

Submissions (6):

Labcorp Genetics (formerly Invitae), Labcorp
Classification: Likely benign for Gastrointestinal stromal tumor. Last evaluated: 2026-01-28. Review status: criteria provided, single submitter. Criteria: Invitae Variant Classification Sherloc (09022015). Collection method: clinical testing. Allele origin: germline.

PreventionGenetics, part of Exact Sciences
Classification: Likely benign for PDGFRA-related condition. Last evaluated: 2025-05-27. Review status: criteria provided, single submitter. Criteria: ACMG Guidelines, 2015. Collection method: clinical testing. Allele origin: germline.
Comment: This variant is classified as likely benign based on ACMG/AMP sequence variant interpretation guidelines (Richards et al. 2015 PMID: 25741868, with internal and published modifications).

Laboratory of Molecular Epidemiology of Birth Defects, West China Second University Hospital, Sichuan University
Classification: Benign for Ovarian cancer. Last evaluated: 2022-01-01. Review status: criteria provided, single submitter. Criteria: ACMG Guidelines, 2015. Collection method: clinical testing. Allele origin: germline. Affected: yes.

Ambry Genetics
Classification: Likely benign for Hereditary cancer-predisposing syndrome. Last evaluated: 2019-01-09. Review status: criteria provided, single submitter. Criteria: Ambry Variant Classification Scheme 2023. Collection method: clinical testing. Allele origin: germline.

OMIM
Classification: Uncertain significance for VARIANT OF UNKNOWN SIGNIFICANCE. Last evaluated: 2012-10-01. Review status: no assertion criteria provided. Collection method: literature only. Allele origin: germline. Not counted in ClinVar's aggregate classification.

Dr. Peter K. Rogan Lab, Western University
No classification provided (evidence only). Condition: Gastric cancer. Review status: no classification provided. Collection method: in vitro. Allele origin: not applicable. Functional consequence: retained intron. Not counted in ClinVar's aggregate classification.

Literature cited by the submitters: PubMed 22473090 (cited by OMIM).

NM_006206.6(PDGFRA):c.1202C>A (p.Ala401Asp)

Gene: PDGFRA (platelet derived growth factor receptor alpha; plus strand). Cytogenetic location: 4q12.
Variant type: single nucleotide variant.
Coding change: c.1202C>A on transcript NM_006206.6 (MANE Select); coding-DNA position 1202, C replaced by A.
Protein change: p.Ala401Asp; replaces alanine 401 with aspartic acid.
Molecular consequence: missense variant.
Genome position (GRCh38, 1-based): chr4:54,270,713, C>A. VCF-style: chr4-54270713-C-A. GRCh37 (hg19) VCF-style: chr4-55136880-C-A.
Other names: c.1202C>A, p.Ala401Asp (NM_001347827.2, NM_001347829.2); c.1277C>A, p.Ala426Asp (NM_001347828.2); c.1241C>A, p.Ala414Asp (NM_001347830.2); c.1202C>A (NM_006206.5); short protein forms A401D, A414D, A426D.
Identifiers: ClinVar variation 39616 (VCV000039616.20), dbSNP rs397514549, ClinGen allele CA279987.
Genomic context (GRCh38, chr4:54,270,713, plus strand): 5'-TGATCCGTGCTAAGGAAGAAGACAGTGGCCATTATACTATTGTAGCTCAAAATGAAGATG[C>A]TGTGAAGAGCTATACTTTTGAACTGTTAACTCAAGGTATGTAAAGGGAGTATAAAGATAA-3'
Protein context (NP_006197.1, residues 391-411): HYTIVAQNED[Ala401Asp]VKSYTFELLT